The following is an entry in ClinVar:

ClinVar aggregate classification (germline): Uncertain significance. Review status: criteria provided, multiple submitters, no conflicts (2 of 4 stars). 2 submissions from 2 submitters: Uncertain significance (2). Last evaluated 2025-11-06.

Conditions:
Inborn genetic diseases. Identifiers: MedGen C0950123, MeSH D030342.

gnomAD v4.1: 4 of 1,614,058 alleles (0.00025%); highest among the groups gnomAD compares: Admixed American, 0.0017%; no homozygotes.

Submissions (2):

Women's Health and Genetics/Laboratory Corporation of America, LabCorp
Classification: Uncertain significance. Last evaluated: 2025-11-06. Review status: criteria provided, single submitter. Criteria: LabCorp Variant Classification Summary - May 2015. Collection method: clinical testing. Allele origin: germline.
Comment: Variant summary: SCAF4 c.1189T>G (p.Ser397Ala) results in a conservative amino acid change in the encoded protein sequence. Algorithms developed to predict the effect of missense changes on protein structure and function all suggest that this variant is likely to be tolerated. The variant allele was found at a frequency of 4e-06 in 251460 control chromosomes. The available data on variant occurrences in the general population are insufficient to allow any conclusion about variant significance. To our knowledge, no occurrence of c.1189T>G in individuals affected with SCAF4-related conditions and no experimental evidence demonstrating its impact on protein function have been reported. ClinVar contains an entry for this variant (Variation ID: 3950514). Based on the evidence outlined above, the variant was classified as uncertain significance.

Ambry Genetics
Classification: Uncertain significance for Inborn genetic diseases. Last evaluated: 2025-03-22. Review status: criteria provided, single submitter. Criteria: Ambry Variant Classification Scheme 2023. Collection method: clinical testing. Allele origin: germline.

NM_020706.2(SCAF4):c.1189T>G (p.Ser397Ala)

Gene: SCAF4 (SR-related CTD associated factor 4; minus strand). Cytogenetic location: 21q22.11.
Variant type: single nucleotide variant.
Coding change: c.1189T>G on transcript NM_020706.2 (MANE Select); coding-DNA position 1189, T replaced by G.
Protein change: p.Ser397Ala; replaces serine 397 with alanine.
Molecular consequence: missense variant.
Genome position (GRCh38, 1-based): chr21:31,694,860, A>C on the plus strand (T>G on the coding strand, the complement: SCAF4 is on the minus strand). VCF-style: chr21-31694860-A-C. GRCh37 (hg19) VCF-style: chr21-33067173-A-C.
Other names: c.1189T>G, p.Ser397Ala (NM_001145445.1); c.1144T>G, p.Ser382Ala (NM_001145444.1); short protein forms S382A, S397A.
Identifiers: ClinVar variation 3950514 (VCV003950514.2).
Genomic context (GRCh38, chr21:31,694,860, plus strand): 5'-AATAAAGTTTTACCTGCTGATGCGGCTTCTGTGTAAGTGGTTCATTTTGTGCCTGAAAAG[A>C]AGCTTGGAAAGGCTGCTGCACTGGTGGAGTTGGAGGAATCACAGGCTGAGCCATGGGAGG-3'
Protein context (NP_065757.1, residues 387-407): TPPVQQPFQA[Ser397Ala]FQAQNEPLTQ